The following is an entry in ClinVar:

NM_004588.5(SCN2B):c.444G>A (p.Met148Ile)

Gene: SCN2B (sodium voltage-gated channel beta subunit 2; minus strand). Cytogenetic location: 11q23.3.
Variant type: single nucleotide variant.
Coding change: c.444G>A on transcript NM_004588.5 (MANE Select); coding-DNA position 444, G replaced by A.
Protein change: p.Met148Ile; replaces methionine 148 with isoleucine.
Molecular consequence: missense variant.
Genome position (GRCh38, 1-based): chr11:118,168,089, C>T on the plus strand (G>A on the coding strand, the complement: SCN2B is on the minus strand). VCF-style: chr11-118168089-C-T. GRCh37 (hg19) VCF-style: chr11-118038804-C-T.
Other names: short protein forms M148I.
Identifiers: ClinVar variation 4160610 (VCV004160610.1).
Genomic context (GRCh38, chr11:118,168,089, plus strand): 5'-AGAGAGTAGGTGGGTGGGAAAGGTCAGGGCCCCGCAGCTGGCACCCCAGCCTTCACCTTC[C>T]ATGAGGACCTGCAGATGGATCTTGCCATGGCCACGGTGGCGGTCAGGGGGGTTCATGATG-3'
Protein context (NP_004579.1, residues 138-158): GHGKIHLQVL[Met148Ile]EEPPERDSTV

ClinVar aggregate classification (germline): Uncertain significance (1 of 4 stars; one submission).

Conditions:
Cardiovascular phenotype. Identifiers: MedGen CN230736.

Submission:

Ambry Genetics
Classification: Uncertain significance for Cardiovascular phenotype. Last evaluated: 2025-08-20. Review status: criteria provided, single submitter. Criteria: Ambry Variant Classification Scheme 2023. Collection method: clinical testing. Allele origin: germline.
Comment: The p.M148I variant (also known as c.444G>A), located in coding exon 3 of the SCN2B gene, results from a G to A substitution at nucleotide position 444. The methionine at codon 148 is replaced by isoleucine, an amino acid with highly similar properties. This amino acid position is conserved. In addition, this alteration is predicted to be tolerated by in silico analysis. Based on the available evidence, the clinical significance of this variant remains unclear.